The following is an entry in ClinVar:

NM_000303.3(PMM2):c.640-15418G>T

Gene: PMM2 (phosphomannomutase 2; plus strand). Cytogenetic location: 16p13.2.
Variant type: single nucleotide variant.
Coding change: c.640-15418G>T on transcript NM_000303.3 (MANE Select); 15418 bases into the intron before coding-DNA position 640, G replaced by T.
Molecular consequence: intron variant.
Genome position (GRCh38, 1-based): chr16:8,832,306, G>T. VCF-style: chr16-8832306-G-T. GRCh37 (hg19) VCF-style: chr16-8926163-G-T.
Identifiers: ClinVar variation 4279728 (VCV004279728.1).

ClinVar aggregate classification (germline): Uncertain significance (1 of 4 stars; one submission).

Conditions:
PMM2-congenital disorder of glycosylation. Also called: PHOSPHOMANNOMUTASE 2 DEFICIENCY; CDG Ia; JAEKEN SYNDROME; CARBOHYDRATE-DEFICIENT GLYCOPROTEIN SYNDROME, TYPE Ia; Congenital disorder of glycosylation, type Ia; PMM2-CDG. Identifiers: Orphanet 79318, MedGen C0349653, MONDO:0008907, OMIM 212065.

Submission:

Clinical Genomics Laboratory, Washington University in St. Louis
Classification: Uncertain significance for PMM2-congenital disorder of glycosylation. Last evaluated: 2025-04-29. Review status: criteria provided, single submitter. Criteria: ACMG Guidelines, 2015. Collection method: clinical testing. Allele origin: germline.
Comment: The PMM2 c.422G>A (p.Arg141His) variant has been reported in numerous individuals with PMM2-related disorders both as compound heterozygous and homozygous states. It is considered one of the most frequent pathogenic variants in this gene (Matthijs G et al., PMID: 9497260; Kjaergaard S et al., PMID: 11517108; Romano S et al., PMID: 19357119; Vega AI et al., PMID: 21541725; Barone R et al., PMID: 25355454; Matthijs G et al., PMID: 9140401; de Lonlay P et al., PMID: 11134235). This variant has been reported in the ClinVar database as pathogenic by fifty-two submitters and as likely pathogenic by four submitters (ClinVar ID: 7706). The highest population minor allele frequency in the population database genome aggregation database (v.2.1.1) is 0.4% in the European non-Finnish population, which is consistent with the carrier frequency for this disorder based on the recent estimated incidence of disease (Pajusalu S et al., PMID: 34447415). Computational predictors indicate that the variant is damaging, evidence that correlates with impact to PMM2 function. Functional studies show that this variant affects protein stability, indicating that this variant impacts protein function (Vega AI et al., PMID: 21541725; Yuste-Checa P et al., PMID: 26014514). Based on available information and the ACMG/AMP guidelines for variant interpretation (Richards S et al., PMID: 25741868), this variant is classified as pathogenic.The PMM2 c.640-15418G>T variant, to our knowledge, has not been reported in the medical literature. This variant is absent from the general population (gnomAD v.2.1.1), indicating it is not a common variant. Computational predictors indicate that the variant has no impact on splicing, evidence that this variant does not have a damaging effect on PMM2 function. Due to limited information, and based on ACMG/AMP guidelines for variant interpretation (Richards S et al., PMID: 25741868), the clinical significance of this variant is uncertain at this time.